The following is an entry in ClinVar:

NM_000188.3(HK1):c.2510G>A (p.Gly837Asp)

Gene: HK1 (hexokinase 1; plus strand). Cytogenetic location: 10q22.1.
Variant type: single nucleotide variant.
Coding change: c.2510G>A on transcript NM_000188.3 (MANE Select); coding-DNA position 2510, G replaced by A.
Protein change: p.Gly837Asp; replaces glycine 837 with aspartic acid.
Molecular consequence: missense variant.
Genome position (GRCh38, 1-based): chr10:69,398,729, G>A. VCF-style: chr10-69398729-G-A. GRCh37 (hg19) VCF-style: chr10-71158485-G-A.
Other names: c.2522G>A, p.Gly841Asp (NM_001322364.2, NM_001358263.1, NM_033497.3 and 1 more transcripts); c.2615G>A, p.Gly872Asp (NM_001322365.2); c.2426G>A, p.Gly809Asp (NM_001322366.1); c.2414G>A, p.Gly805Asp (NM_001322367.1); c.2507G>A, p.Gly836Asp (NM_033496.3); c.2474G>A, p.Gly825Asp (NM_033500.2); c.2510G>A (NM_000188.2); short protein forms G805D, G809D, G825D, G836D, G837D, G841D, G872D.
Identifiers: ClinVar variation 1021558 (VCV001021558.9), dbSNP rs763461603, ClinGen allele CA376916980.
Genomic context (GRCh38, chr10:69,398,729, plus strand): 5'-TCCTCGTCAAGACAGTGTGCGGGGTGGTGTCCAGGAGGGCCGCACAGCTGTGTGGCGCAG[G>A]CATGGCTGCGGTTGTGGATAAGATCCGCGAGAACAGAGGACTGGACCGTCTGAATGTGAC-3'
Protein context (NP_000179.2, residues 827-847): SRRAAQLCGA[Gly837Asp]MAAVVDKIRE

ClinVar aggregate classification (germline): Uncertain significance. Review status: criteria provided, multiple submitters, no conflicts (2 of 4 stars). 2 submissions from 2 submitters: Uncertain significance (2). Last evaluated 2024-09-24.

Submissions (2):

Revvity Omics, Revvity
Classification: Uncertain significance. Last evaluated: 2024-09-24. Review status: criteria provided, single submitter. Criteria: ACMG Guidelines, 2015. Collection method: clinical testing. Allele origin: germline.

Labcorp Genetics (formerly Invitae), Labcorp
Classification: Uncertain significance. Last evaluated: 2024-09-05. Review status: criteria provided, single submitter. Criteria: Invitae Variant Classification Sherloc (09022015). Collection method: clinical testing. Allele origin: germline.
Comment: This sequence change replaces glycine, which is neutral and non-polar, with aspartic acid, which is acidic and polar, at codon 837 of the HK1 protein (p.Gly837Asp). This variant is not present in population databases (gnomAD no frequency). This variant has not been reported in the literature in individuals affected with HK1-related conditions. ClinVar contains an entry for this variant (Variation ID: 1021558). Invitae Evidence Modeling of protein sequence and biophysical properties (such as structural, functional, and spatial information, amino acid conservation, physicochemical variation, residue mobility, and thermodynamic stability) has been performed for this missense variant. However, the output from this modeling did not meet the statistical confidence thresholds required to predict the impact of this variant on HK1 protein function. In summary, the available evidence is currently insufficient to determine the role of this variant in disease. Therefore, it has been classified as a Variant of Uncertain Significance.